The following is an entry in ClinVar:

ClinVar aggregate classification (germline): Uncertain significance (1 of 4 stars; one submission).

Submission:

GeneDx
Classification: Uncertain significance. Last evaluated: 2021-04-01. Review status: criteria provided, single submitter. Criteria: GeneDx Variant Classification Process June 2021. Collection method: clinical testing. Allele origin: germline. Affected: yes.
Comment: Has not been previously published as pathogenic or benign to our knowledge; Not observed in large population cohorts (Lek et al., 2016); In silico analysis supports that this missense variant has a deleterious effect on protein structure/function

NM_138927.4(SON):c.1039C>T (p.Pro347Ser)

Gene: SON (SON DNA and RNA binding protein; plus strand). Cytogenetic location: 21q22.11.
Variant type: single nucleotide variant.
Coding change: c.1039C>T on transcript NM_138927.4 (MANE Select); coding-DNA position 1039, C replaced by T.
Protein change: p.Pro347Ser; replaces proline 347 with serine.
Molecular consequence: missense variant. On other transcripts: non-coding transcript variant (1), intron variant (1).
Genome position (GRCh38, 1-based): chr21:33,550,270, C>T. VCF-style: chr21-33550270-C-T. GRCh37 (hg19) VCF-style: chr21-34922576-C-T.
Other names: c.1039C>T, p.Pro347Ser (NM_001291411.2, NM_032195.3); c.244+3891C>T (NM_001291412.3); short protein forms P347S.
Identifiers: ClinVar variation 1314258 (VCV001314258.2), dbSNP rs2085733757, ClinGen allele CA410153017.
Genomic context (GRCh38, chr21:33,550,270, plus strand): 5'-GATTTTCCAGAGTCATCTGCAATTGAAGCGCTAAGATTGCCAGAGCAGCCTGTAGACGTA[C>T]CATCGGAGATTGCAGATTCATCCATGACAAGACCGCAGGAGTTGCCGGAGCTGCCTAAGA-3'
Protein context (NP_620305.3, residues 337-357): LRLPEQPVDV[Pro347Ser]SEIADSSMTR